The following is an entry in ClinVar:

NM_017780.4(CHD7):c.6265G>T (p.Glu2089Ter)

Gene: CHD7 (chromodomain helicase DNA binding protein 7; plus strand). Cytogenetic location: 8q12.2.
Variant type: single nucleotide variant.
Coding change: c.6265G>T on transcript NM_017780.4 (MANE Select); coding-DNA position 6265, G replaced by T.
Protein change: p.Glu2089Ter; replaces glutamic acid 2089 with a stop codon.
Molecular consequence: nonsense. On other transcripts: intron variant (1).
Genome position (GRCh38, 1-based): chr8:60,852,990, G>T. VCF-style: chr8-60852990-G-T. GRCh37 (hg19) VCF-style: chr8-61765549-G-T.
Other names: c.1717-9239G>T (NM_001316690.1); short protein forms E2089*.
Identifiers: ClinVar variation 5019722 (VCV005019722.1).

ClinVar aggregate classification (germline): Pathogenic (1 of 4 stars; one submission).

Conditions:
CHD7-related CHARGE syndrome. Identifiers: MedGen CN380413, MONDO:1010178, OMIM 214800.
Hypogonadotropic hypogonadism 5 with or without anosmia (KAL5). Also called: CHD7-Related GnRH Deficiency (Kallmann Syndrome 5); HYPOGONADOTROPIC HYPOGONADISM 5 WITH ANOSMIA; HYPOGONADOTROPHIC HYPOGONADISM 5 WITHOUT ANOSMIA. Identifiers: Orphanet 478, MedGen C3552553, MONDO:0012880, OMIM 612370. Disease mechanism: loss of function.

Submission:

Juno Genomics, Hangzhou Juno Genomics, Inc
Classification: Pathogenic for CHD7-related CHARGE syndrome; Hypogonadotropic hypogonadism 5 with or without anosmia. Review status: criteria provided, single submitter. Criteria: ACMG Guidelines, 2015. Collection method: clinical testing. Allele origin: germline. Affected: yes.
Comment: Absent from controls (or at extremely low frequency if recessive) in Genome Aggregation Database.;De novo (both maternity and paternity confirmed) in a patient with the disease and no family history.;Null variant in a gene where loss of function (LOF) is a known mechanism of disease.